The following is an entry in ClinVar:

NM_203447.4(DOCK8):c.955C>T (p.His319Tyr)

Gene: DOCK8 (dedicator of cytokinesis 8; plus strand). Cytogenetic location: 9p24.3.
Variant type: single nucleotide variant.
Coding change: c.955C>T on transcript NM_203447.4 (MANE Select); coding-DNA position 955, C replaced by T.
Protein change: p.His319Tyr; replaces histidine 319 with tyrosine.
Molecular consequence: missense variant.
Genome position (GRCh38, 1-based): chr9:328,082, C>T. VCF-style: chr9-328082-C-T. GRCh37 (hg19) VCF-style: chr9-328082-C-T.
Other names: c.751C>T, p.His251Tyr (NM_001190458.2, NM_001193536.2); short protein forms H251Y, H319Y.
Identifiers: ClinVar variation 912377 (VCV000912377.8), dbSNP rs2050845211, ClinGen allele CA372751339.
Genomic context (GRCh38, chr9:328,082, plus strand): 5'-ATCTCAGAAAATTTTCACTGTGACCTGAACTCTGACCAGTTCAAAGGATTTCTGCGAGCT[C>T]ACACGCCTTCAGTGGCCGCATCAAGTCAGGCGAGATCTGCAGTCTTCTCAGTCACCTACC-3'
Protein context (NP_982272.2, residues 309-329): SDQFKGFLRA[His319Tyr]TPSVAASSQA

ClinVar aggregate classification (germline): Uncertain significance. Review status: criteria provided, multiple submitters, no conflicts (2 of 4 stars). 3 submissions from 3 submitters: Uncertain significance (2). 1 of the submissions does not count toward it. Last evaluated 2022-10-09.

Conditions:
Combined immunodeficiency due to DOCK8 deficiency (HIES2). Also called: HIES autosomal recessive; Hyper-IgE recurrent infection syndrome, autosomal recessive; HYPER-IgE SYNDROME 2, AUTOSOMAL RECESSIVE, WITH RECURRENT INFECTIONS; DOCK8 Deficiency; HYPER-IgE RECURRENT INFECTION SYNDROME 2, AUTOSOMAL RECESSIVE. Identifiers: Orphanet 217390, MedGen C4722305, MONDO:0009478, OMIM 243700.

Allele frequency attached by ClinVar (database versions not stated): TOPMed below 0.00001.

Submissions (3):

Labcorp Genetics (formerly Invitae), Labcorp
Classification: Uncertain significance for Combined immunodeficiency due to DOCK8 deficiency. Last evaluated: 2022-10-09. Review status: criteria provided, single submitter. Criteria: Invitae Variant Classification Sherloc (09022015). Collection method: clinical testing. Allele origin: germline.
Comment: Advanced modeling of protein sequence and biophysical properties (such as structural, functional, and spatial information, amino acid conservation, physicochemical variation, residue mobility, and thermodynamic stability) performed at Invitae indicates that this missense variant is not expected to disrupt DOCK8 protein function. In summary, the available evidence is currently insufficient to determine the role of this variant in disease. Therefore, it has been classified as a Variant of Uncertain Significance. ClinVar contains an entry for this variant (Variation ID: 912377). This variant has not been reported in the literature in individuals affected with DOCK8-related conditions. This variant is not present in population databases (gnomAD no frequency). This sequence change replaces histidine, which is basic and polar, with tyrosine, which is neutral and polar, at codon 319 of the DOCK8 protein (p.His319Tyr).

Illumina Laboratory Services, Illumina
Classification: Uncertain significance for Combined immunodeficiency due to DOCK8 deficiency. Last evaluated: 2018-01-12. Review status: criteria provided, single submitter. Criteria: ICSL Variant Classification Criteria 13 December 2019. Collection method: clinical testing. Allele origin: germline.

Genetic Services Laboratory, University of Chicago
Classification: Uncertain significance. Last evaluated: 2022-07-22. Review status: no assertion criteria provided. Collection method: clinical testing. Allele origin: germline. Affected: no. Not counted in ClinVar's aggregate classification.
Comment: DNA sequence analysis of the DOCK8 gene demonstrated a sequence change, c.955C>T, in exon 9 that results in an amino acid change, p.His319Tyr. This sequence change does not appear to have been previously described in individuals with DOCK8-related disorders and has also not been described in population databases such as ExAC and gnomAD. The p.His319Tyr change affects a moderately conserved amino acid residue located in a domain of the DOCK8 protein that is not known to be functional. In-silico pathogenicity prediction tools (SIFT, PolyPhen2, Align GVGD, REVEL) provide contradictory results for the p.His319Tyr substitution. Due to insufficient evidences and the lack of functional studies, the clinical significance of the p.His319Tyr change remains unknown at this time.